The following is an entry in ClinVar:

ClinVar aggregate classification (germline): Uncertain significance (1 of 4 stars; one submission).

Conditions:
Familial sleep-related hypermotor epilepsy. Also called: Autosomal Dominant Sleep-Related Hypermotor (Hyperkinetic) Epilepsy. Identifiers: Orphanet 98784, MedGen C3696898, MONDO:0000030.

Allele frequency attached by ClinVar (database versions not stated): TOPMed 0.00002.

Submission:

Labcorp Genetics (formerly Invitae), Labcorp
Classification: Uncertain significance. Last evaluated: 2022-10-30. Review status: criteria provided, single submitter. Criteria: Invitae Variant Classification Sherloc (09022015). Collection method: clinical testing. Allele origin: germline.
Comment: In summary, the available evidence is currently insufficient to determine the role of this variant in disease. Therefore, it has been classified as a Variant of Uncertain Significance. Variants that disrupt the consensus splice site are a relatively common cause of aberrant splicing (PMID: 17576681, 9536098). Algorithms developed to predict the effect of sequence changes on RNA splicing suggest that this variant may disrupt the consensus splice site. This variant has not been reported in the literature in individuals affected with CHRNA4-related conditions. This variant is present in population databases (no rsID available, gnomAD 0.01%). This sequence change falls in intron 3 of the CHRNA4 gene. It does not directly change the encoded amino acid sequence of the CHRNA4 protein. It affects a nucleotide within the consensus splice site.

Literature cited by the submitters: PubMed 17576681; PubMed 9536098.

NM_000744.7(CHRNA4):c.274-3C>T

Genes: CHRNA4 (cholinergic receptor nicotinic alpha 4 subunit; minus strand), LOC126863087 (P300/CBP strongly-dependent group 1 enhancer GRCh37_chr20:61986832-61988031; plus strand). Cytogenetic location: 20q13.33.
Variant type: single nucleotide variant.
Coding change: c.274-3C>T on transcript NM_000744.7 (MANE Select); 3 bases into the intron before coding-DNA position 274, C replaced by T.
Molecular consequence: intron variant. On other transcripts: non-coding transcript variant (1).
Genome position (GRCh38, 1-based): chr20:63,356,087, G>A on the plus strand (C>T on the coding strand, the complement: CHRNA4 is on the minus strand). VCF-style: chr20-63356087-G-A. GRCh37 (hg19) VCF-style: chr20-61987439-G-A.
Other names: c.-273-3C>T (NM_001256573.2).
Identifiers: ClinVar variation 2752438 (VCV002752438.3), dbSNP rs1044459513, ClinGen allele CA317441926.
Genomic context (GRCh38, chr20:63,356,087, plus strand): 5'-TGGAGGTGACATTCTCATAGTCAGCTGGGTCCCAGCGCAGCTTGTAGTCGTGCCACTCCT[G>A]GATGAGGTGGGGCGGGGGGAGGCTGCAGGGTGAGGGGTGTGGGGGAGGGCAGGGGCGGGA-3'